The following is an entry in ClinVar:

ClinVar aggregate classification (germline): Uncertain significance (1 of 4 stars; one submission).

Conditions:
Brugada syndrome 8 (BRGDA8). Identifiers: Orphanet 130, MedGen C2751083, MONDO:0013148, OMIM 613123.

Submission:

Labcorp Genetics (formerly Invitae), Labcorp
Classification: Uncertain significance for Brugada syndrome 8. Last evaluated: 2024-11-18. Review status: criteria provided, single submitter. Criteria: Invitae Variant Classification Sherloc (09022015). Collection method: clinical testing. Allele origin: germline.
Comment: This variant, c.2775_2777del, results in the deletion of 1 amino acid(s) of the HCN4 protein (p.Leu926del), but otherwise preserves the integrity of the reading frame. This variant is not present in population databases (gnomAD no frequency). This variant has not been reported in the literature in individuals affected with HCN4-related conditions. ClinVar contains an entry for this variant (Variation ID: 1016984). Experimental studies and prediction algorithms are not available or were not evaluated, and the functional significance of this variant is currently unknown. In summary, the available evidence is currently insufficient to determine the role of this variant in disease. Therefore, it has been classified as a Variant of Uncertain Significance.

NM_005477.3(HCN4):c.2775_2777del (p.Leu926del)

Gene: HCN4 (hyperpolarization activated cyclic nucleotide gated potassium channel 4; minus strand). Cytogenetic location: 15q24.1.
Variant type: Deletion.
Coding change: c.2775_2777del on transcript NM_005477.3 (MANE Select); coding-DNA positions 2775 to 2777, 3 bases deleted (GCT; older notation c.2775_2777delGCT).
Protein change: p.Leu926del; deletes leucine 926.
Molecular consequence: inframe deletion.
Genome position (GRCh38, 1-based): chr15:73,323,316-73,323,318, AGC deleted on the plus strand (GCT on the coding strand, the reverse complement: HCN4 is on the minus strand); deleting any 3 consecutive bases within chr15:73,323,316-73,323,320 gives the same sequence; the c. name uses the placement nearest the transcript's 3' end. VCF-style (leftmost placement, unchanged base first): chr15-73323315-GAGC-G. GRCh37 (hg19) VCF-style: chr15-73615656-GAGC-G.
Other names: short protein forms L926del.
Identifiers: ClinVar variation 1016984 (VCV001016984.8), dbSNP rs766277314, ClinGen allele CA7648958.